The following is an entry in ClinVar:

NM_002471.4(MYH6):c.898+6C>G

Gene: MYH6 (myosin heavy chain 6; minus strand). Cytogenetic location: 14q11.2.
Variant type: single nucleotide variant.
Coding change: c.898+6C>G on transcript NM_002471.4 (MANE Select); 6 bases into the intron after coding-DNA position 898, C replaced by G.
Molecular consequence: intron variant.
Genome position (GRCh38, 1-based): chr14:23,403,342, G>C on the plus strand (C>G on the coding strand, the complement: MYH6 is on the minus strand). VCF-style: chr14-23403342-G-C. GRCh37 (hg19) VCF-style: chr14-23872551-G-C.
Identifiers: ClinVar variation 1429918 (VCV001429918.6), dbSNP rs370158816, ClinGen allele CA612935000.

ClinVar aggregate classification (germline): Uncertain significance (1 of 4 stars; one submission).

Conditions:
Hypertrophic cardiomyopathy 14. Identifiers: MedGen C2750467, MONDO:0013197, OMIM 613251.

gnomAD v4.1: 3 of 1,612,390 alleles (0.00019%); highest among the groups gnomAD compares: Admixed American, 0.0017%; no homozygotes.

Submission:

Labcorp Genetics (formerly Invitae), Labcorp
Classification: Uncertain significance for Hypertrophic cardiomyopathy 14. Last evaluated: 2021-11-16. Review status: criteria provided, single submitter. Criteria: Invitae Variant Classification Sherloc (09022015). Collection method: clinical testing. Allele origin: germline.
Comment: This sequence change falls in intron 10 of the MYH6 gene. It does not directly change the encoded amino acid sequence of the MYH6 protein. It affects a nucleotide within the consensus splice site. This variant is present in population databases (no rsID available, gnomAD 0.003%). This variant has not been reported in the literature in individuals affected with MYH6-related conditions. Variants that disrupt the consensus splice site are a relatively common cause of aberrant splicing (PMID: 17576681, 9536098). Algorithms developed to predict the effect of sequence changes on RNA splicing suggest that this variant is not likely to affect RNA splicing. In summary, the available evidence is currently insufficient to determine the role of this variant in disease. Therefore, it has been classified as a Variant of Uncertain Significance.

Literature cited by the submitters: PubMed 17576681; PubMed 9536098.